The following is an entry in ClinVar:

NM_001093.4(ACACB):c.6787+6G>A

Gene: ACACB (acetyl-CoA carboxylase beta; plus strand). Cytogenetic location: 12q24.11.
Variant type: single nucleotide variant.
Coding change: c.6787+6G>A on transcript NM_001093.4 (MANE Select); 6 bases into the intron after coding-DNA position 6787, G replaced by A.
Molecular consequence: intron variant.
Genome position (GRCh38, 1-based): chr12:109,262,475, G>A. VCF-style: chr12-109262475-G-A. GRCh37 (hg19) VCF-style: chr12-109700280-G-A.
Other names: c.6787+6G>A (NM_001412734.1, NM_001412735.1); c.6160+6G>A (NM_001412737.1); c.6181+6G>A (NM_001412736.1); c.5992+6G>A (NM_001412738.1).
Identifiers: ClinVar variation 3048444 (VCV003048444.2), dbSNP rs189077002, ClinGen allele CA6775213.
Genomic context (GRCh38, chr12:109,262,475, plus strand): 5'-ATAAAGTCCATGAGAAGGATCGATCCAGCTTACAAGAAGCTCATGGAACAGCTAGGTAAG[G>A]GGGTCCCAAAGGCTTCACCTCTCAGAGGTCAAGAGAGGCCCAGCTGGCCCACTGCTGGGG-3'

ClinVar aggregate classification (germline): Likely benign (0 of 4 stars; one submission).

Conditions:
ACACB-related disorder. Also called: ACACB-related condition.

Allele frequency attached by ClinVar (database versions not stated): gnomAD 0.00011; TOPMed 0.00021; ExAC 0.00051; 1000 Genomes Project 0.00060; 1000 Genomes Project 30x 0.00062.
gnomAD v4.1: 300 of 1,607,990 alleles (0.019%); highest among the groups gnomAD compares: East Asian, 0.6%; 1 homozygote.

Submission:

PreventionGenetics, part of Exact Sciences
Classification: Likely benign for ACACB-related condition. Last evaluated: 2019-11-26. Review status: no assertion criteria provided. Collection method: clinical testing. Allele origin: germline.
Comment: This variant is classified as likely benign based on ACMG/AMP sequence variant interpretation guidelines (Richards et al. 2015 PMID: 25741868, with internal and published modifications).